The following is an entry in ClinVar:

ClinVar aggregate classification (germline): Uncertain significance. Review status: criteria provided, multiple submitters, no conflicts (2 of 4 stars). 2 submissions from 2 submitters: Uncertain significance (2). Last evaluated 2026-02-02.

Conditions:
Early-infantile DEE. Also called: Ohtahara syndrome; Early infantile epileptic encephalopathy with suppression bursts; Early infantile epileptic encephalopathy. Identifiers: Orphanet 1934, MedGen C0393706, MONDO:0800491.

Allele frequency attached by ClinVar (database versions not stated): ExAC 0.00001; gnomAD exomes 0.00001 and 0.00002; gnomAD 0.00009 and 0.00010; 1000 Genomes Project 0.00020; 1000 Genomes Project 30x 0.00031; TOPMed 0.00033.

Submissions (2):

Labcorp Genetics (formerly Invitae), Labcorp
Classification: Uncertain significance for Early-infantile DEE. Last evaluated: 2026-02-02. Review status: criteria provided, single submitter. Criteria: Invitae Variant Classification Sherloc (09022015). Collection method: clinical testing. Allele origin: germline.
Comment: This sequence change replaces alanine, which is neutral and non-polar, with threonine, which is neutral and polar, at codon 139 of the ARHGEF15 protein (p.Ala139Thr). This variant is present in population databases (rs200188980, gnomAD 0.003%). This variant has not been reported in the literature in individuals affected with ARHGEF15-related conditions. ClinVar contains an entry for this variant (Variation ID: 855186). An algorithm developed to predict the effect of missense changes on protein structure and function outputs the following: PolyPhen-2: "Benign". The threonine amino acid residue is found in multiple mammalian species, which suggests that this missense change does not adversely affect protein function. In summary, the available evidence is currently insufficient to determine the role of this variant in disease. Therefore, it has been classified as a Variant of Uncertain Significance.

Ambry Genetics
Classification: Uncertain significance. Last evaluated: 2024-08-21. Review status: criteria provided, single submitter. Criteria: Ambry Variant Classification Scheme 2023. Collection method: clinical testing. Allele origin: germline.

NM_173728.4(ARHGEF15):c.415G>A (p.Ala139Thr)

Gene: ARHGEF15 (Rho guanine nucleotide exchange factor 15; plus strand). Cytogenetic location: 17p13.1.
Variant type: single nucleotide variant.
Coding change: c.415G>A on transcript NM_173728.4 (MANE Select); coding-DNA position 415, G replaced by A.
Protein change: p.Ala139Thr; replaces alanine 139 with threonine.
Molecular consequence: missense variant.
Genome position (GRCh38, 1-based): chr17:8,312,454, G>A. VCF-style: chr17-8312454-G-A. GRCh37 (hg19) VCF-style: chr17-8215772-G-A.
Other names: c.415G>A, p.Ala139Thr (NM_025014.2); short protein forms A139T.
Identifiers: ClinVar variation 855186 (VCV000855186.13), dbSNP rs200188980, ClinGen allele CA8374854.